The following is an entry in ClinVar:

NC_000017.10:g.(?_29422048)_(29527428_?)del

Gene: NF1 (neurofibromin 1; plus strand). Cytogenetic location: 17q11.2.
Variant type: Deletion.
Identifiers: ClinVar variation 1454781 (VCV001454781.5).

ClinVar aggregate classification (germline): Pathogenic (1 of 4 stars; one submission).

Conditions:
Neurofibromatosis, type 1 (NF1). Also called: Neurofibromatosis, type I; VON RECKLINGHAUSEN DISEASE; NEUROFIBROMATOSIS, TYPE I, SOMATIC; Peripheral type neurofibromatosis. Identifiers: Orphanet 636, MedGen C0027831, MONDO:0018975, OMIM 162200. Disease mechanism: loss of function.

Submission:

Labcorp Genetics (formerly Invitae), Labcorp
Classification: Pathogenic for Neurofibromatosis, type 1. Last evaluated: 2021-08-12. Review status: criteria provided, single submitter. Criteria: Invitae Variant Classification Sherloc (09022015). Collection method: clinical testing. Allele origin: germline.
Comment: A gross deletion of the genomic region encompassing the full coding sequence of the NF1 gene has been identified. Loss-of-function variants in NF1 are known to be pathogenic (PMID: 10712197, 23913538). The boundaries of this event are unknown as they extend beyond the assayed region for this gene and therefore may encompass additional genes. This variant has not been reported in the literature in individuals affected with NF1-related conditions. For these reasons, this variant has been classified as Pathogenic.

Literature cited by the submitters: PubMed 10712197; PubMed 23913538.